The following is an entry in ClinVar:

ClinVar aggregate classification (germline): Uncertain significance (1 of 4 stars; one submission).

Conditions:
Oligodontia-cancer predisposition syndrome. Also called: TOOTH AGENESIS-COLORECTAL CANCER SYNDROME. Identifiers: Orphanet 300576, MedGen C1837750, MONDO:0012075, OMIM 608615. Disease mechanism: loss of function.

Allele frequency attached by ClinVar (database versions not stated): gnomAD exomes below 0.00001.
gnomAD v4.1: 1 of 1,614,194 alleles (0.000062%); no homozygotes.

Submission:

Labcorp Genetics (formerly Invitae), Labcorp
Classification: Uncertain significance for Oligodontia-cancer predisposition syndrome. Last evaluated: 2022-07-06. Review status: criteria provided, single submitter. Criteria: Invitae Variant Classification Sherloc (09022015). Collection method: clinical testing. Allele origin: germline.
Comment: In summary, the available evidence is currently insufficient to determine the role of this variant in disease. Therefore, it has been classified as a Variant of Uncertain Significance. Variants that disrupt the consensus splice site are a relatively common cause of aberrant splicing (PMID: 17576681, 9536098). Algorithms developed to predict the effect of missense changes on protein structure and function (SIFT, PolyPhen-2, Align-GVGD) all suggest that this variant is likely to be disruptive. This variant has not been reported in the literature in individuals affected with AXIN2-related conditions. This variant is present in population databases (no rsID available, gnomAD 0.01%). This sequence change replaces arginine, which is basic and polar, with threonine, which is neutral and polar, at codon 272 of the AXIN2 protein (p.Arg272Thr). This variant also falls at the last nucleotide of exon 2, which is part of the consensus splice site for this exon.

Literature cited by the submitters: PubMed 17576681; PubMed 9536098.

NM_004655.4(AXIN2):c.815G>C (p.Arg272Thr)

Gene: AXIN2 (axin 2; minus strand). Cytogenetic location: 17q24.1.
Variant type: single nucleotide variant.
Coding change: c.815G>C on transcript NM_004655.4 (MANE Select); coding-DNA position 815, G replaced by C.
Protein change: p.Arg272Thr; replaces arginine 272 with threonine.
Molecular consequence: missense variant.
Genome position (GRCh38, 1-based): chr17:65,557,806, C>G on the plus strand (G>C on the coding strand, the complement: AXIN2 is on the minus strand). VCF-style: chr17-65557806-C-G. GRCh37 (hg19) VCF-style: chr17-63553924-C-G.
Other names: c.815G>C, p.Arg272Thr (NM_001363813.1); short protein forms R272T.
Identifiers: ClinVar variation 2014412 (VCV002014412.4), dbSNP rs748265281, ClinGen allele CA400680171.
Genomic context (GRCh38, chr17:65,557,806, plus strand): 5'-ATACTTAAAACATCTGCAAAGTCCACAGCATCAGCCCACCCGCCCCCGTCAAAGTCTTAC[C>G]TGTATCCACTGTCAACAGTTTCCGTGGACCTCACACTCGCCGTGGCCCTCAGAGTTTTGC-3'
Protein context (NP_004646.3, residues 262-282): RSTETVDSGY[Arg272Thr]SFKRSDPVNP